The following is an entry in ClinVar:

ClinVar aggregate classification (germline): Uncertain significance (1 of 4 stars; one submission).

Allele frequency attached by ClinVar (database versions not stated): TOPMed below 0.00001; gnomAD exomes 0.00001; ExAC 0.00002.

Submission:

Labcorp Genetics (formerly Invitae), Labcorp
Classification: Uncertain significance. Last evaluated: 2024-10-15. Review status: criteria provided, single submitter. Criteria: Invitae Variant Classification Sherloc (09022015). Collection method: clinical testing. Allele origin: germline.
Comment: This sequence change replaces glutamic acid, which is acidic and polar, with lysine, which is basic and polar, at codon 257 of the CASQ1 protein (p.Glu257Lys). This variant is present in population databases (rs777138929, gnomAD 0.002%). This variant has not been reported in the literature in individuals affected with CASQ1-related conditions. Invitae Evidence Modeling of protein sequence and biophysical properties (such as structural, functional, and spatial information, amino acid conservation, physicochemical variation, residue mobility, and thermodynamic stability) indicates that this missense variant is not expected to disrupt CASQ1 protein function with a negative predictive value of 80%. In summary, the available evidence is currently insufficient to determine the role of this variant in disease. Therefore, it has been classified as a Variant of Uncertain Significance.

NM_001231.5(CASQ1):c.769G>A (p.Glu257Lys)

Gene: CASQ1 (calsequestrin 1; plus strand). Cytogenetic location: 1q23.2.
Variant type: single nucleotide variant.
Coding change: c.769G>A on transcript NM_001231.5 (MANE Select); coding-DNA position 769, G replaced by A.
Protein change: p.Glu257Lys; replaces glutamic acid 257 with lysine.
Molecular consequence: missense variant.
Genome position (GRCh38, 1-based): chr1:160,196,014, G>A. VCF-style: chr1-160196014-G-A. GRCh37 (hg19) VCF-style: chr1-160165804-G-A.
Other names: short protein forms E257K.
Identifiers: ClinVar variation 2787686 (VCV002787686.3), dbSNP rs777138929, ClinGen allele CA1196320.